The following is an entry in ClinVar:

ClinVar aggregate classification (germline): Uncertain significance (1 of 4 stars; one submission).

Conditions:
Warts, hypogammaglobulinemia, infections, and myelokathexis. Also called: WHIM syndrome. Identifiers: MedGen C0472817, MONDO:0023880.

Submission:

Labcorp Genetics (formerly Invitae), Labcorp
Classification: Uncertain significance for Warts, hypogammaglobulinemia, infections, and myelokathexis. Last evaluated: 2024-04-25. Review status: criteria provided, single submitter. Criteria: Invitae Variant Classification Sherloc (09022015). Collection method: clinical testing. Allele origin: germline.
Comment: This sequence change replaces methionine, which is neutral and non-polar, with valine, which is neutral and non-polar, at codon 72 of the CXCR4 protein (p.Met72Val). This variant is not present in population databases (gnomAD no frequency). This variant has not been reported in the literature in individuals affected with CXCR4-related conditions. An algorithm developed to predict the effect of missense changes on protein structure and function (PolyPhen-2) suggests that this variant is likely to be tolerated. In summary, the available evidence is currently insufficient to determine the role of this variant in disease. Therefore, it has been classified as a Variant of Uncertain Significance.

NM_003467.3(CXCR4):c.214A>G (p.Met72Val)

Gene: CXCR4 (C-X-C motif chemokine receptor 4; minus strand). Cytogenetic location: 2q22.1.
Variant type: single nucleotide variant.
Coding change: c.214A>G on transcript NM_003467.3 (MANE Select); coding-DNA position 214, A replaced by G.
Protein change: p.Met72Val; replaces methionine 72 with valine.
Molecular consequence: missense variant.
Genome position (GRCh38, 1-based): chr2:136,115,714, T>C on the plus strand (A>G on the coding strand, the complement: CXCR4 is on the minus strand). VCF-style: chr2-136115714-T-C. GRCh37 (hg19) VCF-style: chr2-136873284-T-C.
Other names: c.226A>G, p.Met76Val (NM_001008540.2); c.427A>G, p.Met143Val (NM_001348056.2); c.313A>G, p.Met105Val (NM_001348059.2); c.169A>G, p.Met57Val (NM_001348060.2); short protein forms M105V, M72V, M57V, M76V, M143V.
Identifiers: ClinVar variation 3651006 (VCV003651006.2).
Genomic context (GRCh38, chr2:136,115,714, plus strand): 5'-GAAGCGTGATGACAAAGAGGAGGTCGGCCACTGACAGGTGCAGCCTGTACTTGTCCGTCA[T>C]GCTTCTCAGTTTCTTCTGGTAACCCATGACCAGGATGACCAATCCATTGCCCACAATGCC-3'
Protein context (NP_003458.1, residues 62-82): VMGYQKKLRS[Met72Val]TDKYRLHLSV